The following is an entry in ClinVar:

NM_001004334.4(GPR179):c.904-3T>C

Gene: GPR179 (G protein-coupled receptor 179; minus strand). Cytogenetic location: 17q12.
Variant type: single nucleotide variant.
Coding change: c.904-3T>C on transcript NM_001004334.4 (MANE Select); 3 bases into the intron before coding-DNA position 904, T replaced by C.
Molecular consequence: intron variant.
Genome position (GRCh38, 1-based): chr17:38,337,723, A>G on the plus strand (T>C on the coding strand, the complement: GPR179 is on the minus strand). VCF-style: chr17-38337723-A-G. GRCh37 (hg19) VCF-style: chr17-36493606-A-G.
Identifiers: ClinVar variation 1486519 (VCV001486519.6), dbSNP rs750492952, ClinGen allele CA290109675.

ClinVar aggregate classification (germline): Uncertain significance (1 of 4 stars; one submission).

Allele frequency attached by ClinVar (database versions not stated): ExAC 0.00001; gnomAD exomes 0.00001; TOPMed 0.00001; gnomAD 0.00003.
gnomAD v4.1: 19 of 1,611,680 alleles (0.0012%); highest among the groups gnomAD compares: South Asian, 0.0055%; no homozygotes.

Submission:

Labcorp Genetics (formerly Invitae), Labcorp
Classification: Uncertain significance. Last evaluated: 2023-08-04. Review status: criteria provided, single submitter. Criteria: Invitae Variant Classification Sherloc (09022015). Collection method: clinical testing. Allele origin: germline.
Comment: This sequence change falls in intron 2 of the GPR179 gene. It does not directly change the encoded amino acid sequence of the GPR179 protein. It affects a nucleotide within the consensus splice site. This variant is present in population databases (rs750492952, gnomAD 0.003%). This variant has not been reported in the literature in individuals affected with GPR179-related conditions. ClinVar contains an entry for this variant (Variation ID: 1486519). Variants that disrupt the consensus splice site are a relatively common cause of aberrant splicing (PMID: 17576681, 9536098). Algorithms developed to predict the effect of sequence changes on RNA splicing suggest that this variant is not likely to affect RNA splicing. In summary, the available evidence is currently insufficient to determine the role of this variant in disease. Therefore, it has been classified as a Variant of Uncertain Significance.

Literature cited by the submitters: PubMed 17576681; PubMed 9536098.